The following is an entry in ClinVar:

ClinVar aggregate classification (germline): Uncertain significance (1 of 4 stars; one submission).

Conditions:
Peroxisome biogenesis disorder. Identifiers: Orphanet 79189, MedGen C1832200, MONDO:0019234. Disease mechanism: loss of function.

Allele frequency attached by ClinVar (database versions not stated): gnomAD 0.00001.
gnomAD v4.1: 1 of 1,610,680 alleles (0.000062%); highest among the groups gnomAD compares: South Asian, 0.0011%; no homozygotes.

Submission:

Labcorp Genetics (formerly Invitae), Labcorp
Classification: Uncertain significance for Peroxisome biogenesis disorder. Last evaluated: 2024-02-17. Review status: criteria provided, single submitter. Criteria: Invitae Variant Classification Sherloc (09022015). Collection method: clinical testing. Allele origin: germline.
Comment: This sequence change replaces alanine, which is neutral and non-polar, with aspartic acid, which is acidic and polar, at codon 458 of the PEX6 protein (p.Ala458Asp). This variant is not present in population databases (gnomAD no frequency). This variant has not been reported in the literature in individuals affected with PEX6-related conditions. ClinVar contains an entry for this variant (Variation ID: 2143374). Advanced modeling of protein sequence and biophysical properties (such as structural, functional, and spatial information, amino acid conservation, physicochemical variation, residue mobility, and thermodynamic stability) performed at Invitae indicates that this missense variant is not expected to disrupt PEX6 protein function with a negative predictive value of 95%. In summary, the available evidence is currently insufficient to determine the role of this variant in disease. Therefore, it has been classified as a Variant of Uncertain Significance.

NM_000287.4(PEX6):c.1373C>A (p.Ala458Asp)

Gene: PEX6 (peroxisomal biogenesis factor 6; minus strand). Cytogenetic location: 6p21.1.
Variant type: single nucleotide variant.
Coding change: c.1373C>A on transcript NM_000287.4 (MANE Select); coding-DNA position 1373, C replaced by A.
Protein change: p.Ala458Asp; replaces alanine 458 with aspartic acid.
Molecular consequence: missense variant. On other transcripts: non-coding transcript variant (1).
Genome position (GRCh38, 1-based): chr6:42,968,980, G>T on the plus strand (C>A on the coding strand, the complement: PEX6 is on the minus strand). VCF-style: chr6-42968980-G-T. GRCh37 (hg19) VCF-style: chr6-42936718-G-T.
Other names: c.1109C>A, p.Ala370Asp (NM_001316313.2); short protein forms A458D, A370D.
Identifiers: ClinVar variation 2143374 (VCV002143374.3), dbSNP rs1581764819, ClinGen allele CA364155474.